The following is an entry in ClinVar:

ClinVar aggregate classification (germline): Uncertain significance (1 of 4 stars; one submission).

gnomAD v4.1: 17 of 1,535,438 alleles (0.0011%); highest among the groups gnomAD compares: South Asian, 0.0024%; no homozygotes.

Submission:

Labcorp Genetics (formerly Invitae), Labcorp
Classification: Uncertain significance. Last evaluated: 2023-10-14. Review status: criteria provided, single submitter. Criteria: Invitae Variant Classification Sherloc (09022015). Collection method: clinical testing. Allele origin: germline.
Comment: This sequence change replaces arginine, which is basic and polar, with serine, which is neutral and polar, at codon 227 of the CFD protein (p.Arg227Ser). This variant is not present in population databases (gnomAD no frequency). This variant has not been reported in the literature in individuals affected with CFD-related conditions. An algorithm developed to predict the effect of missense changes on protein structure and function (PolyPhen-2) suggests that this variant is likely to be disruptive. In summary, the available evidence is currently insufficient to determine the role of this variant in disease. Therefore, it has been classified as a Variant of Uncertain Significance.

NM_001928.4(CFD):c.679C>A (p.Arg227Ser)

Gene: CFD (complement factor D; plus strand). Cytogenetic location: 19p13.3.
Variant type: single nucleotide variant.
Coding change: c.679C>A on transcript NM_001928.4 (MANE Select); coding-DNA position 679, C replaced by A.
Protein change: p.Arg227Ser; replaces arginine 227 with serine.
Molecular consequence: missense variant.
Genome position (GRCh38, 1-based): chr19:863,155, C>A. VCF-style: chr19-863155-C-A. GRCh37 (hg19) VCF-style: chr19-863155-C-A.
Other names: c.700C>A, p.Arg234Ser (NM_001317335.2); short protein forms R234S, R227S.
Identifiers: ClinVar variation 2768548 (VCV002768548.3), dbSNP rs1304289516, ClinGen allele CA402923733.